The following is an entry in ClinVar:

NM_001035.3(RYR2):c.2878A>G (p.Lys960Glu)

Gene: RYR2 (ryanodine receptor 2; plus strand). Cytogenetic location: 1q43.
Variant type: single nucleotide variant.
Coding change: c.2878A>G on transcript NM_001035.3 (MANE Select); coding-DNA position 2878, A replaced by G.
Protein change: p.Lys960Glu; replaces lysine 960 with glutamic acid.
Molecular consequence: missense variant.
Genome position (GRCh38, 1-based): chr1:237,530,482, A>G. VCF-style: chr1-237530482-A-G. GRCh37 (hg19) VCF-style: chr1-237693782-A-G.
Other names: short protein forms K960E.
Identifiers: ClinVar variation 2719462 (VCV002719462.3), dbSNP rs2546109055, ClinGen allele CA345388113.
Genomic context (GRCh38, chr1:237,530,482, plus strand): 5'-TCCAGGACTTTGTTGGCATTAGGATGTCATGTGGGTATATCAGATGAACATGCTGAAGAC[A>G]AGGTGAAAAAAATGAAGCTACCCAAGAAGTAAGTTGAATGACTAAGCAATATTAAATAAT-3'
Protein context (NP_001026.2, residues 950-970): VGISDEHAED[Lys960Glu]VKKMKLPKNY

ClinVar aggregate classification (germline): Uncertain significance (1 of 4 stars; one submission).

Conditions:
Catecholaminergic polymorphic ventricular tachycardia 1. Also called: VENTRICULAR TACHYCARDIA, STRESS-INDUCED POLYMORPHIC 1; RYR2-Related Catecholaminergic Polymorphic Ventricular Tachycardia; VENTRICULAR TACHYCARDIA, CATECHOLAMINERGIC POLYMORPHIC, 1, WITH OR WITHOUT ATRIAL DYSFUNCTION AND/OR DILATED CARDIOMYOPATHY. Identifiers: Orphanet 3286, MedGen C1631597, MONDO:0011484, OMIM 604772.

Allele frequency attached by ClinVar (database versions not stated): gnomAD exomes below 0.00001.
gnomAD v4.1: 1 of 1,607,358 alleles (0.000062%); highest among the groups gnomAD compares: Non-Finnish European, 0.000085%; no homozygotes.

Submission:

Labcorp Genetics (formerly Invitae), Labcorp
Classification: Uncertain significance for Catecholaminergic polymorphic ventricular tachycardia 1. Last evaluated: 2025-06-16. Review status: criteria provided, single submitter. Criteria: Invitae Variant Classification Sherloc (09022015). Collection method: clinical testing. Allele origin: germline.
Comment: This sequence change replaces lysine, which is basic and polar, with glutamic acid, which is acidic and polar, at codon 960 of the RYR2 protein (p.Lys960Glu). This variant is not present in population databases (gnomAD no frequency). This variant has not been reported in the literature in individuals affected with RYR2-related conditions. ClinVar contains an entry for this variant (Variation ID: 2719462). Invitae Evidence Modeling of protein sequence and biophysical properties (such as structural, functional, and spatial information, amino acid conservation, physicochemical variation, residue mobility, and thermodynamic stability) indicates that this missense variant is not expected to disrupt RYR2 protein function with a negative predictive value of 95%. In summary, the available evidence is currently insufficient to determine the role of this variant in disease. Therefore, it has been classified as a Variant of Uncertain Significance.